The following is an entry in ClinVar:

NM_001370259.2(MEN1):c.90G>C (p.Glu30Asp)

Gene: MEN1 (menin 1; minus strand). Cytogenetic location: 11q13.1.
Variant type: single nucleotide variant.
Coding change: c.90G>C on transcript NM_001370259.2 (MANE Select); coding-DNA position 90, G replaced by C.
Protein change: p.Glu30Asp; replaces glutamic acid 30 with aspartic acid.
Molecular consequence: missense variant.
Genome position (GRCh38, 1-based): chr11:64,810,020, C>G on the plus strand (G>C on the coding strand, the complement: MEN1 is on the minus strand). VCF-style: chr11-64810020-C-G. GRCh37 (hg19) VCF-style: chr11-64577492-C-G.
Other names: c.90G>C, p.Glu30Asp (NM_000244.4, NM_001370251.2, NM_001370260.2 and 20 more transcripts); short protein forms E30D.
Identifiers: ClinVar variation 1765809 (VCV001765809.2), dbSNP rs2497286635, ClinGen allele CA381188009.
Genomic context (GRCh38, chr11:64,810,020, plus strand): 5'-GACAGCCAGAAAATGCTCCACGAAGCCCAGCACCAAGGAAAGGAGCACCAGGTCCGGCTC[C>G]TCTCGGCCCAGCTCGGCAGCAAACAGGCGCACCACGTCGTCGATGGAGCGCAGCGGGAAC-3'
Protein context (NP_001357188.2, residues 20-40): VRLFAAELGR[Glu30Asp]EPDLVLLSLV

ClinVar aggregate classification (germline): Uncertain significance (1 of 4 stars; one submission).

Conditions:
Hereditary cancer-predisposing syndrome. Also called: Neoplastic Syndromes, Hereditary; Tumor predisposition; Hereditary Cancer Syndrome; Hereditary neoplastic syndrome. Identifiers: Orphanet 140162, MedGen C0027672, MeSH D009386, MONDO:0015356.

Submission:

Ambry Genetics
Classification: Uncertain significance for Hereditary cancer-predisposing syndrome. Last evaluated: 2022-08-12. Review status: criteria provided, single submitter. Criteria: Ambry Variant Classification Scheme 2023. Collection method: clinical testing. Allele origin: germline.
Comment: The p.E30D variant (also known as c.90G>C), located in coding exon 1 of the MEN1 gene, results from a G to C substitution at nucleotide position 90. The glutamic acid at codon 30 is replaced by aspartic acid, an amino acid with highly similar properties. This amino acid position is conserved. In addition, the in silico prediction for this alteration is inconclusive. Since supporting evidence is limited at this time, the clinical significance of this alteration remains unclear.